The following is an entry in ClinVar:

ClinVar aggregate classification (germline): Uncertain significance (1 of 4 stars; one submission).

gnomAD v4.1: 16 of 1,582,822 alleles (0.001%); highest among the groups gnomAD compares: Non-Finnish European, 0.0014%; no homozygotes.

Submission:

Labcorp Genetics (formerly Invitae), Labcorp
Classification: Uncertain significance. Last evaluated: 2024-08-28. Review status: criteria provided, single submitter. Criteria: Invitae Variant Classification Sherloc (09022015). Collection method: clinical testing. Allele origin: germline.
Comment: This sequence change replaces glutamine, which is neutral and polar, with histidine, which is basic and polar, at codon 336 of the ERBIN protein (p.Gln336His). This variant is not present in population databases (gnomAD no frequency). This variant has not been reported in the literature in individuals affected with ERBIN-related conditions. An algorithm developed to predict the effect of missense changes on protein structure and function (PolyPhen-2) suggests that this variant is likely to be disruptive. In summary, the available evidence is currently insufficient to determine the role of this variant in disease. Therefore, it has been classified as a Variant of Uncertain Significance.

NM_001253697.2(ERBIN):c.1008G>C (p.Gln336His)

Gene: ERBIN (erbb2 interacting protein; plus strand). Cytogenetic location: 5q12.3.
Variant type: single nucleotide variant.
Coding change: c.1008G>C on transcript NM_001253697.2 (MANE Select); coding-DNA position 1008, G replaced by C.
Protein change: p.Gln336His; replaces glutamine 336 with histidine.
Molecular consequence: missense variant.
Genome position (GRCh38, 1-based): chr5:66,025,965, G>C. VCF-style: chr5-66025965-G-C. GRCh37 (hg19) VCF-style: chr5-65321793-G-C.
Other names: c.1008G>C, p.Gln336His (NM_001006600.3, NM_001253698.2, NM_001253699.2 and 2 more transcripts); short protein forms Q336H.
Identifiers: ClinVar variation 3698741 (VCV003698741.2).